The following is an entry in ClinVar:

NM_001127898.4(CLCN5):c.17-11T>G

Gene: CLCN5 (chloride voltage-gated channel 5; plus strand). Cytogenetic location: Xp11.23.
Variant type: single nucleotide variant.
Coding change: c.17-11T>G on transcript NM_001127898.4 (MANE Select); 11 bases into the intron before coding-DNA position 17, T replaced by G.
Molecular consequence: intron variant. On other transcripts: genic upstream transcript variant (1).
Genome position (GRCh38, 1-based): chrX:50,042,305, T>G. VCF-style: chrX-50042305-T-G. GRCh37 (hg19) VCF-style: chrX-49806914-T-G.
Other names: c.17-11T>G (NM_001127899.4, NM_001272102.2); c.-25503T>G (NM_000084.5).
Identifiers: ClinVar variation 3768453 (VCV003768453.1).
Genomic context (GRCh38, chrX:50,042,305, plus strand): 5'-AAATGGCAAATGTTACGTGTAAGGGACTTGAAGATCATTGTTATAAGCCTCCTATTTTTC[T>G]TTCTGCACAGGTGCCATGGATAACAGAGGCTTTCAGCAGGGGAGTTTTAGTAGCTTCCAG-3'

ClinVar aggregate classification (germline): Uncertain significance (1 of 4 stars; one submission).

Submission:

Women's Health and Genetics/Laboratory Corporation of America, LabCorp
Classification: Uncertain significance. Last evaluated: 2024-12-24. Review status: criteria provided, single submitter. Criteria: LabCorp Variant Classification Summary - May 2015. Collection method: clinical testing. Allele origin: germline.
Comment: Variant summary: CLCN5 NM_000084.5 c.-25503T>G is located in the untranscribed region upstream of the CLCN5 gene region. This variant is also known as NM_001127898.4 c.52T>G (p.Phe18Val), resulting in a conservative amino acid change in the encoded protein sequence. Three of four in-silico tools predict a benign effect of the variant on protein function. The variant allele was found at a frequency of 7.3e-06 in 137642 control chromosomes. The available data on variant occurrences in the general population are insufficient to allow any conclusion about variant significance. To our knowledge, no occurrence of c.-25503T>G in individuals affected with Dent Disease and no experimental evidence demonstrating its impact on protein function have been reported. No submitters have cited clinical-significance assessments for this variant to ClinVar. Based on the evidence outlined above, the variant was classified as uncertain significance.